The following is an entry in ClinVar:

ClinVar aggregate classification (germline): Likely benign (1 of 4 stars; one submission).

Allele frequency attached by ClinVar (database versions not stated): gnomAD exomes 0.00022; ESP Exome Variant Server 0.00025; gnomAD 0.00041; TOPMed 0.00046; ExAC 0.00075; 1000 Genomes Project 30x 0.00094; 1000 Genomes Project 0.00120.
gnomAD v4.1: 400 of 1,613,820 alleles (0.025%); highest among the groups gnomAD compares: East Asian, 0.42%; 1 homozygote.

Submission:

CeGaT Center for Human Genetics Tuebingen
Classification: Likely benign. Last evaluated: 2022-11-01. Review status: criteria provided, single submitter. Criteria: CeGaT Center For Human Genetics Tuebingen Variant Classification Criteria Version 2. Collection method: clinical testing. Allele origin: germline. Affected: yes. Observed: 1 variant allele.
Comment: CMYA5: BP4, BP7

NM_153610.5(CMYA5):c.1629C>T (p.Ser543=)

Gene: CMYA5 (cardiomyopathy associated 5; plus strand). Cytogenetic location: 5q14.1.
Variant type: single nucleotide variant.
Coding change: c.1629C>T on transcript NM_153610.5 (MANE Select); coding-DNA position 1629, C replaced by T.
Protein change: p.Ser543=; no amino-acid change (serine 543 retained).
Molecular consequence: synonymous variant.
Genome position (GRCh38, 1-based): chr5:79,730,394, C>T. VCF-style: chr5-79730394-C-T. GRCh37 (hg19) VCF-style: chr5-79026217-C-T.
Identifiers: ClinVar variation 2655558 (VCV002655558.24), dbSNP rs141358383, ClinGen allele CA3321430.